The following is an entry in ClinVar:

NM_002972.4(SBF1):c.2289C>T (p.Arg763=)

Gene: SBF1 (SET binding factor 1; minus strand). Cytogenetic location: 22q13.33.
Variant type: single nucleotide variant.
Coding change: c.2289C>T on transcript NM_002972.4 (MANE Select); coding-DNA position 2289, C replaced by T.
Protein change: p.Arg763=; no amino-acid change (arginine 763 retained).
Molecular consequence: synonymous variant.
Genome position (GRCh38, 1-based): chr22:50,462,312, G>A on the plus strand (C>T on the coding strand, the complement: SBF1 is on the minus strand). VCF-style: chr22-50462312-G-A. GRCh37 (hg19) VCF-style: chr22-50900741-G-A.
Other names: c.2292C>T, p.Arg764= (NM_001365819.1).
Identifiers: ClinVar variation 1120016 (VCV001120016.3), dbSNP rs2148590692, ClinGen allele CA515383899.
Genomic context (GRCh38, chr22:50,462,312, plus strand): 5'-GGCACGCTCCCGAAGTAGGCGGCTCTTGCTGCTGTCCAGGGGCAGGAGGAGGTAGCTCAT[G>A]CGGTTGGCATAGTGGATGGCCTGGCTGAACACCGTGCTCTCCTCCTTCTGCACCAGCTCC-3'
Protein context (NP_002963.2, residues 753-773): VFSQAIHYAN[Arg763=]MSYLLLPLDS

ClinVar aggregate classification (germline): Pathogenic (0 of 4 stars; one submission).

Conditions:
Charcot-Marie-Tooth disease type 4B3. Also called: Charcot-Marie-Tooth Neuropathy Type 4B3; CHARCOT-MARIE-TOOTH DISEASE, DEMYELINATING, TYPE 4B3. Identifiers: Orphanet 363981, MedGen C3695063, MONDO:0014117, OMIM 615284.

Submission:

IRCCS Fondazione Stella Maris, University of Pisa
Classification: Pathogenic for Charcot-Marie-Tooth disease type 4B3. Last evaluated: 2018-05-16. Review status: no assertion criteria provided. Collection method: clinical testing. Allele origin: paternal. Inheritance: Autosomal recessive inheritance. Affected: yes. Observed: 1 variant allele, 1 compound heterozygote.
Comment: SEVERE NEUROPATHY

Literature cited by the submitters: PubMed 23749797; PubMed 33987933.